The following is an entry in ClinVar:

NM_001394531.1(WDFY4):c.8187T>C (p.Asp2729=)

Gene: WDFY4 (WDFY family member 4; plus strand). Cytogenetic location: 10q11.23.
Variant type: single nucleotide variant.
Coding change: c.8187T>C on transcript NM_001394531.1 (MANE Select); coding-DNA position 8187, T replaced by C.
Protein change: p.Asp2729=; no amino-acid change (aspartic acid 2729 retained).
Molecular consequence: synonymous variant.
Genome position (GRCh38, 1-based): chr10:48,959,777, T>C. VCF-style: chr10-48959777-T-C. GRCh37 (hg19) VCF-style: chr10-50167822-T-C.
Other names: c.8187T>C, p.Asp2729= (NM_020945.2).
Identifiers: ClinVar variation 3341791 (VCV003341791.16).

ClinVar aggregate classification (germline): Likely benign (1 of 4 stars; one submission).

gnomAD v4.1: 8 of 1,551,354 alleles (0.00052%); highest among the groups gnomAD compares: African/African-American, 0.0041%; no homozygotes.

Submission:

CeGaT Center for Human Genetics Tuebingen
Classification: Likely benign. Last evaluated: 2024-09-01. Review status: criteria provided, single submitter. Criteria: CeGaT Center For Human Genetics Tuebingen Variant Classification Criteria Version 2. Collection method: clinical testing. Allele origin: germline. Affected: yes. Observed: 1 variant allele.
Comment: WDFY4: BP4, BP7